The following is an entry in ClinVar:

ClinVar aggregate classification (germline): Uncertain significance (1 of 4 stars; one submission).

Conditions:
Clark-Baraitser syndrome. Also called: MENTAL RETARDATION, AUTOSOMAL DOMINANT 49; BARAITSER SYNDROME; Mental retardation, tall stature, obesity, macrocephaly and typical facial features; Intellectual disability, autosomal dominant 49. Identifiers: Orphanet 600731, MedGen C2931130, MONDO:0030914, OMIM 617752.

gnomAD v4.1: 1,068 of 1,602,514 alleles (0.067%); highest among the groups gnomAD compares: Non-Finnish European, 0.087%; no homozygotes.

Submissions (2):

Pittsburgh Clinical Genomics Laboratory, University of Pittsburgh Medical Center
Classification: Uncertain significance for Clark-Baraitser syndrome. Last evaluated: 2023-02-17. Review status: criteria provided, single submitter. Criteria: ACMG Guidelines, 2015. Collection method: clinical testing. Allele origin: germline. Inheritance: Autosomal dominant inheritance. Affected: yes.
Comment: This sequence variant is a single nucleotide substitution (T>C) 11 bases prior to the start of exon 4 in TRIP12. Although this variant falls outside the canonical splice site of exon 4, several bioinformatic predictors indicate that this variant will disrupt splicing. This variant is absent from an online database of clinically annotated variants (ClinVar), and, to our knowledge, this variant has not been observed in the published literature in an individual affected by a TRIP12-related disorder. This variant is present in 113 of 270,072 alleles (0.04%) in the gnomAD population database. Multiple bioinformatic tools predict that this T to C base change will impact splicing, and the T nucleotide is strongly conserved across the vertebrate species examined. Studies examining the functiol consequence of this variant have not been published, to our knowledge. At this time, there is insufficient evidence to determine if this variant is pathogenic or benign. Therefore, we consider this a variant of uncertain significance. ACMG Criteria: PP3

Dr. Peter K. Rogan Lab, Western University
No classification provided (evidence only). Condition: Lung cancer. Review status: no classification provided. Collection method: in vitro. Allele origin: not applicable. Functional consequence: skipped exon. Not counted in ClinVar's aggregate classification.

NM_001348323.3(TRIP12):c.225-11T>C

Gene: TRIP12 (thyroid hormone receptor interactor 12; minus strand). Cytogenetic location: 2q36.3.
Variant type: single nucleotide variant.
Coding change: c.225-11T>C on transcript NM_001348323.3 (MANE Select); 11 bases into the intron before coding-DNA position 225, T replaced by C.
Molecular consequence: intron variant.
Genome position (GRCh38, 1-based): chr2:229,859,585, A>G on the plus strand (T>C on the coding strand, the complement: TRIP12 is on the minus strand). VCF-style: chr2-229859585-A-G. GRCh37 (hg19) VCF-style: chr2-230724301-A-G.
Other names: NC_000002.11:g.230724301A>G; c.98+20397T>C (NM_001284216.2); c.99-11T>C (NM_004238.3, NM_001348331.1, NM_001348317.1 and 3 more transcripts); c.225-11T>C (NM_001348332.1, NM_001284214.2, NM_001348319.1 and 15 more transcripts).
Identifiers: ClinVar variation 3376181 (VCV003376181.2).